The following is an entry in ClinVar:

ClinVar aggregate classification (germline): Uncertain significance (1 of 4 stars; one submission).

Submission:

GeneDx
Classification: Uncertain significance. Last evaluated: 2023-04-07. Review status: criteria provided, single submitter. Criteria: GeneDx Variant Classification Process June 2021. Collection method: clinical testing. Allele origin: germline. Affected: yes.
Comment: Not observed at significant frequency in large population cohorts (gnomAD); In-frame insertion of 4 amino acids in a non-repeat region; Has not been previously published as pathogenic or benign to our knowledge

NM_005321.3(H1-4):c.43_54dup (p.Thr18_Pro19insAlaGluLysThr)

Gene: H1-4 (H1.4 linker histone, cluster member; plus strand). Cytogenetic location: 6p22.2.
Variant type: Duplication.
Coding change: c.43_54dup on transcript NM_005321.3 (MANE Select); coding-DNA positions 43 to 54, 12 bases duplicated (GCCGAGAAGACT).
Protein change: p.Thr18_Pro19insAlaGluLysThr.
Molecular consequence: inframe insertion.
Genome position (GRCh38, 1-based): chr6:26,156,433-26,156,444, GCCGAGAAGACT duplicated; duplicating any 12 consecutive bases within chr6:26,156,431-26,156,444 gives the same sequence; the c. name uses the placement nearest the transcript's 3' end. VCF-style (leftmost placement, unchanged base first): chr6-26156430-C-CCTGCCGAGAAGA. GRCh37 (hg19) VCF-style: chr6-26156658-C-CCTGCCGAGAAGA.
Identifiers: ClinVar variation 2661931 (VCV002661931.1), dbSNP rs2480689646, ClinGen allele CA2695198810.